The following is an entry in ClinVar:

ClinVar aggregate classification (germline): Uncertain significance (1 of 4 stars; one submission).

Conditions:
Combined immunodeficiency due to LRBA deficiency. Also called: Common variable immunodeficiency 8, with autoimmunity. Identifiers: Orphanet 445018, MedGen C3553512, MONDO:0013863, OMIM 614700.

Allele frequency attached by ClinVar (database versions not stated): TOPMed 0.00002.
gnomAD v4.1: 4 of 1,610,784 alleles (0.00025%); highest among the groups gnomAD compares: Admixed American, 0.005%; no homozygotes.

Submission:

Baylor Genetics
Classification: Uncertain significance for Combined immunodeficiency due to LRBA deficiency. Last evaluated: 2018-07-29. Review status: criteria provided, single submitter. Criteria: ACMG Guidelines, 2015. Collection method: clinical testing. Allele origin: maternal. Affected: yes.
Comment: This variant was determined to be of uncertain significance according to ACMG Guidelines, 2015 [PMID:25741868].

NM_001364905.1(LRBA):c.1937C>G (p.Pro646Arg)

Gene: LRBA (LPS responsive beige-like anchor protein; minus strand). Cytogenetic location: 4q31.3.
Variant type: single nucleotide variant.
Coding change: c.1937C>G on transcript NM_001364905.1 (MANE Select); coding-DNA position 1937, C replaced by G.
Protein change: p.Pro646Arg; replaces proline 646 with arginine.
Molecular consequence: missense variant.
Genome position (GRCh38, 1-based): chr4:150,897,806, G>C on the plus strand (C>G on the coding strand, the complement: LRBA is on the minus strand). VCF-style: chr4-150897806-G-C. GRCh37 (hg19) VCF-style: chr4-151818958-G-C.
Other names: c.1937C>G, p.Pro646Arg (NM_001199282.3, NM_001367550.1, NM_006726.5); short protein forms P646R.
Identifiers: ClinVar variation 1033134 (VCV001033134.1), dbSNP rs755987682, ClinGen allele CA3103418.
Genomic context (GRCh38, chr4:150,897,806, plus strand): 5'-ACTAATTGCTTAATGAACATCAACAAGAATGCTCGTAGAGAAAGCATTTCTTTTTGATTA[G>C]GTCGCGGTCCATCTTTTAAAAAAATATACACATACACATTTAGTATTTAAAGGACCTCAA-3'
Protein context (NP_001351834.1, residues 636-656): ITPKGLDGPR[Pro646Arg]NQKEMLSLRA